The following is an entry in ClinVar:

ClinVar aggregate classification (germline): Likely benign (1 of 4 stars; one submission).

Submission:

CeGaT Center for Human Genetics Tuebingen
Classification: Likely benign. Last evaluated: 2025-02-01. Review status: criteria provided, single submitter. Criteria: CeGaT Center For Human Genetics Tuebingen Variant Classification Criteria Version 2. Collection method: clinical testing. Allele origin: germline. Affected: yes. Observed: 1 variant allele.
Comment: MUC19: BP4, BP7

NC_000012.12:g.40489354A>G

Gene: MUC19 (mucin 19, oligomeric (gene/pseudogene); plus strand). Cytogenetic location: 12q12.
Variant type: single nucleotide variant.
Genome position: GRCh38 VCF-style: chr12-40489354-A-G. GRCh37 (hg19) VCF-style: chr12-40883156-A-G.
Identifiers: ClinVar variation 3771188 (VCV003771188.13).
Genomic context (GRCh38, chr12:40,489,354, plus strand): 5'-AGTGACAGGGAAAACTGGGCTATCAGCTGGAGTGATGGAGACAACTGGACCATCAGCTGA[A>G]GTGACAGGGACAACTGGATCATCAGCTGGGGTGACAGGCACAACTGGACCATCAGCTGGA-3'